The following is an entry in ClinVar:

NM_001035.3(RYR2):c.4381A>G (p.Arg1461Gly)

Gene: RYR2 (ryanodine receptor 2; plus strand). Cytogenetic location: 1q43.
Variant type: single nucleotide variant.
Coding change: c.4381A>G on transcript NM_001035.3 (MANE Select); coding-DNA position 4381, A replaced by G.
Protein change: p.Arg1461Gly; replaces arginine 1461 with glycine.
Molecular consequence: missense variant.
Genome position (GRCh38, 1-based): chr1:237,593,581, A>G. VCF-style: chr1-237593581-A-G. GRCh37 (hg19) VCF-style: chr1-237756881-A-G.
Other names: short protein forms R1461G.
Identifiers: ClinVar variation 1740165 (VCV001740165.9), dbSNP rs778794737, ClinGen allele CA39805676.

ClinVar aggregate classification (germline): Conflicting classifications of pathogenicity. Review status: criteria provided, conflicting classifications (1 of 4 stars). 4 submissions from 4 submitters: Uncertain significance (3); Likely benign (1). Last evaluated 2026-03-19.

Conditions:
Cardiomyopathy (CMYO). Also called: Cardiomyopathies. Identifiers: Orphanet 167848, MedGen C0878544, MONDO:0004994, HP:0001638. Inheritance: Various modes of inheritance.
Catecholaminergic polymorphic ventricular tachycardia 1. Also called: VENTRICULAR TACHYCARDIA, CATECHOLAMINERGIC POLYMORPHIC, 1, WITH OR WITHOUT ATRIAL DYSFUNCTION AND/OR DILATED CARDIOMYOPATHY; RYR2-Related Catecholaminergic Polymorphic Ventricular Tachycardia; VENTRICULAR TACHYCARDIA, STRESS-INDUCED POLYMORPHIC 1. Identifiers: Orphanet 3286, MedGen C1631597, MONDO:0011484, OMIM 604772.
Cardiovascular phenotype. Identifiers: MedGen CN230736.

Allele frequency attached by ClinVar (database versions not stated): gnomAD exomes below 0.00001; TOPMed below 0.00001; gnomAD 0.00001.
gnomAD v4.1: 3 of 1,613,844 alleles (0.00019%); highest among the groups gnomAD compares: Non-Finnish European, 0.00025%; no homozygotes.

Submissions (4):

GeneDx
Classification: Uncertain significance. Last evaluated: 2026-03-19. Review status: criteria provided, single submitter. Criteria: GeneDx Variant Classification Process June 2021. Collection method: clinical testing. Allele origin: germline.
Comment: Has not been previously published as pathogenic or benign to our knowledge

Labcorp Genetics (formerly Invitae), Labcorp
Classification: Uncertain significance for Catecholaminergic polymorphic ventricular tachycardia 1. Last evaluated: 2025-01-14. Review status: criteria provided, single submitter. Criteria: Invitae Variant Classification Sherloc (09022015). Collection method: clinical testing. Allele origin: germline.
Comment: This sequence change replaces arginine, which is basic and polar, with glycine, which is neutral and non-polar, at codon 1461 of the RYR2 protein (p.Arg1461Gly). This variant is not present in population databases (gnomAD no frequency). This variant has not been reported in the literature in individuals affected with RYR2-related conditions. ClinVar contains an entry for this variant (Variation ID: 1740165). Invitae Evidence Modeling of protein sequence and biophysical properties (such as structural, functional, and spatial information, amino acid conservation, physicochemical variation, residue mobility, and thermodynamic stability) indicates that this missense variant is not expected to disrupt RYR2 protein function with a negative predictive value of 95%. In summary, the available evidence is currently insufficient to determine the role of this variant in disease. Therefore, it has been classified as a Variant of Uncertain Significance.

Color Diagnostics, LLC DBA Color Health
Classification: Likely benign for Cardiomyopathy. Last evaluated: 2024-11-04. Review status: criteria provided, single submitter. Criteria: ACMG Guidelines, 2015. Collection method: clinical testing. Allele origin: germline.

Ambry Genetics
Classification: Uncertain significance for Cardiovascular phenotype. Last evaluated: 2019-12-04. Review status: criteria provided, single submitter. Criteria: Ambry Variant Classification Scheme 2023. Collection method: clinical testing. Allele origin: germline.
Comment: The p.R1461G variant (also known as c.4381A>G), located in coding exon 33 of the RYR2 gene, results from an A to G substitution at nucleotide position 4381. The arginine at codon 1461 is replaced by glycine, an amino acid with dissimilar properties. This amino acid position is well conserved in available vertebrate species. In addition, this alteration is predicted to be tolerated by in silico analysis. Since supporting evidence is limited at this time, the clinical significance of this alteration remains unclear.